The following is an entry in ClinVar:

ClinVar aggregate classification (germline): Uncertain significance (1 of 4 stars; one submission).

Submission:

Ambry Genetics
Classification: Uncertain significance. Last evaluated: 2021-09-26. Review status: criteria provided, single submitter. Criteria: Ambry Variant Classification Scheme 2023. Collection method: clinical testing. Allele origin: germline.
Comment: The p.E1329K variant (also known as c.3985G>A), located in coding exon 16 of the POLQ gene, results from a G to A substitution at nucleotide position 3985. The glutamic acid at codon 1329 is replaced by lysine, an amino acid with similar properties. This amino acid position is conserved. In addition, this alteration is predicted to be tolerated by in silico analysis. Since supporting evidence is limited at this time, the clinical significance of this alteration remains unclear.

NM_199420.4(POLQ):c.3985G>A (p.Glu1329Lys)

Gene: POLQ (DNA polymerase theta; minus strand). Cytogenetic location: 3q13.33.
Variant type: single nucleotide variant.
Coding change: c.3985G>A on transcript NM_199420.4 (MANE Select); coding-DNA position 3985, G replaced by A.
Protein change: p.Glu1329Lys; replaces glutamic acid 1329 with lysine.
Molecular consequence: missense variant.
Genome position (GRCh38, 1-based): chr3:121,488,946, C>T on the plus strand (G>A on the coding strand, the complement: POLQ is on the minus strand). VCF-style: chr3-121488946-C-T. GRCh37 (hg19) VCF-style: chr3-121207793-C-T.
Other names: short protein forms E1329K.
Identifiers: ClinVar variation 1736727 (VCV001736727.2), dbSNP rs2546786532, ClinGen allele CA354096498.